The following is an entry in ClinVar:

ClinVar aggregate classification (germline): Uncertain significance. Review status: criteria provided, multiple submitters, no conflicts (2 of 4 stars). 2 submissions from 2 submitters: Uncertain significance (2). Last evaluated 2020-10-05.

Conditions:
Familial cancer of breast. Also called: Hereditary breast cancer; BREAST CANCER, FAMILIAL; hereditary breast carcinoma. Identifiers: Orphanet 227535, MedGen C0346153, MONDO:0016419, OMIM 114480. Disease mechanism: loss of function.
Hereditary cancer-predisposing syndrome. Also called: Hereditary Cancer Syndrome; Neoplastic Syndromes, Hereditary; Tumor predisposition; Hereditary neoplastic syndrome. Identifiers: Orphanet 140162, MedGen C0027672, MeSH D009386, MONDO:0015356.

Submissions (2):

Labcorp Genetics (formerly Invitae), Labcorp
Classification: Uncertain significance for Familial cancer of breast. Last evaluated: 2020-10-05. Review status: criteria provided, single submitter. Criteria: Invitae Variant Classification Sherloc (09022015). Collection method: clinical testing. Allele origin: germline.
Comment: In summary, the available evidence is currently insufficient to determine the role of this variant in disease. Therefore, it has been classified as a Variant of Uncertain Significance. Algorithms developed to predict the effect of missense changes on protein structure and function output the following: SIFT: "Tolerated"; PolyPhen-2: "Possibly Damaging"; Align-GVGD: "Class C0". The phenylalanine amino acid residue is found in multiple mammalian species, suggesting that this missense change does not adversely affect protein function. These predictions have not been confirmed by published functional studies and their clinical significance is uncertain. This variant has not been reported in the literature in individuals with PALB2-related conditions. This variant is not present in population databases (ExAC no frequency). This sequence change replaces leucine with phenylalanine at codon 861 of the PALB2 protein (p.Leu861Phe). The leucine residue is highly conserved and there is a small physicochemical difference between leucine and phenylalanine.

Ambry Genetics
Classification: Uncertain significance for Hereditary cancer-predisposing syndrome. Last evaluated: 2020-06-22. Review status: criteria provided, single submitter. Criteria: Ambry Variant Classification Scheme 2023. Collection method: clinical testing. Allele origin: germline.
Comment: The p.L861F variant (also known as c.2583A>T), located in coding exon 6 of the PALB2 gene, results from an A to T substitution at nucleotide position 2583. The leucine at codon 861 is replaced by phenylalanine, an amino acid with highly similar properties. This amino acid position is highly conserved in available vertebrate species. In addition, this alteration is predicted to be tolerated by in silico analysis. Since supporting evidence is limited at this time, the clinical significance of this alteration remains unclear.

NM_024675.4(PALB2):c.2583A>T (p.Leu861Phe)

Gene: PALB2 (partner and localizer of BRCA2; minus strand). Cytogenetic location: 16p12.2.
Variant type: single nucleotide variant.
Coding change: c.2583A>T on transcript NM_024675.4 (MANE Select); coding-DNA position 2583, A replaced by T.
Protein change: p.Leu861Phe; replaces leucine 861 with phenylalanine.
Molecular consequence: missense variant.
Genome position (GRCh38, 1-based): chr16:23,629,207, T>A on the plus strand (A>T on the coding strand, the complement: PALB2 is on the minus strand). VCF-style: chr16-23629207-T-A. GRCh37 (hg19) VCF-style: chr16-23640528-T-A.
Other names: short protein forms L861F.
Identifiers: ClinVar variation 1024265 (VCV001024265.12), dbSNP rs1966853602, ClinGen allele CA395123635.